The following is an entry in ClinVar:

ClinVar aggregate classification (germline): Uncertain significance. Review status: criteria provided, multiple submitters, no conflicts (2 of 4 stars). 3 submissions from 3 submitters: Uncertain significance (3). Last evaluated 2024-02-24.

Conditions:
Mitochondrial complex I deficiency, nuclear type 1. Also called: NADH-COENZYME Q REDUCTASE DEFICIENCY; MITOCHONDRIAL NADH DEHYDROGENASE COMPONENT OF COMPLEX I, DEFICIENCY OF. Identifiers: MedGen C6022305, MONDO:0100224, OMIM 252010.

Allele frequency attached by ClinVar (database versions not stated): gnomAD 0.00002; TOPMed 0.00002; ExAC 0.00004; gnomAD exomes 0.00004 and 0.00006.

Submissions (3):

Labcorp Genetics (formerly Invitae), Labcorp
Classification: Uncertain significance. Last evaluated: 2024-02-24. Review status: criteria provided, single submitter. Criteria: Invitae Variant Classification Sherloc (09022015). Collection method: clinical testing. Allele origin: germline.
Comment: This sequence change replaces proline, which is neutral and non-polar, with serine, which is neutral and polar, at codon 220 of the FOXRED1 protein (p.Pro220Ser). This variant is present in population databases (rs753106152, gnomAD 0.007%). This variant has not been reported in the literature in individuals affected with FOXRED1-related conditions. ClinVar contains an entry for this variant (Variation ID: 303537). Advanced modeling of protein sequence and biophysical properties (such as structural, functional, and spatial information, amino acid conservation, physicochemical variation, residue mobility, and thermodynamic stability) performed at Invitae indicates that this missense variant is expected to disrupt FOXRED1 protein function with a positive predictive value of 80%. In summary, the available evidence is currently insufficient to determine the role of this variant in disease. Therefore, it has been classified as a Variant of Uncertain Significance.

Blueprint Genetics
Classification: Uncertain significance. Last evaluated: 2024-02-16. Review status: criteria provided, single submitter. Criteria: ACMG Guidelines, 2015. Collection method: clinical testing. Allele origin: germline.

Illumina Laboratory Services, Illumina
Classification: Uncertain significance for Mitochondrial complex I deficiency, nuclear type 1. Last evaluated: 2018-01-13. Review status: criteria provided, single submitter. Criteria: ICSL Variant Classification Criteria 13 December 2019. Collection method: clinical testing. Allele origin: germline.

NM_017547.4(FOXRED1):c.658C>T (p.Pro220Ser)

Gene: FOXRED1 (FAD dependent oxidoreductase domain containing 1; plus strand). Cytogenetic location: 11q24.2.
Variant type: single nucleotide variant.
Coding change: c.658C>T on transcript NM_017547.4 (MANE Select); coding-DNA position 658, C replaced by T.
Protein change: p.Pro220Ser; replaces proline 220 with serine.
Molecular consequence: missense variant. On other transcripts: non-coding transcript variant (2).
Genome position (GRCh38, 1-based): chr11:126,275,353, C>T. VCF-style: chr11-126275353-C-T. GRCh37 (hg19) VCF-style: chr11-126145248-C-T.
Other names: short protein forms P220S.
Identifiers: ClinVar variation 303537 (VCV000303537.9), dbSNP rs753106152, ClinGen allele CA6354170.
Genomic context (GRCh38, chr11:126,275,353, plus strand): 5'-TCCCTCTTTGTGAGTTCTCTTTTTCTTATCACAGGGATGGAGGACGAAGGTTGGTTTGAC[C>T]CCTGGTGTCTGCTCCAGGGGCTTCGGCGAAAGGTCCAGTCCTTGGGAGTCCTTTTCTGCC-3'
Protein context (NP_060017.1, residues 210-230): YGMEDEGWFD[Pro220Ser]WCLLQGLRRK